The following is an entry in ClinVar:

NM_012452.3(TNFRSF13B):c.376_383del (p.Val126fs)

Gene: TNFRSF13B (TNF receptor superfamily member 13B; minus strand). Cytogenetic location: 17p11.2.
Variant type: Deletion.
Coding change: c.376_383del on transcript NM_012452.3 (MANE Select); coding-DNA positions 376 to 383, 8 bases deleted (GTTGAAAA; older notation c.376_383delGTTGAAAA).
Protein change: p.Val126fs; shifts the reading frame from valine 126.
Molecular consequence: frameshift variant.
Genome position (GRCh38, 1-based): chr17:16,948,800-16,948,807, TTTTCAAC deleted on the plus strand (GTTGAAAA on the coding strand, the reverse complement: TNFRSF13B is on the minus strand); deleting any 8 consecutive bases within chr17:16,948,800-16,948,809 gives the same sequence; the c. name uses the placement nearest the transcript's 3' end. VCF-style (leftmost placement, unchanged base first): chr17-16948799-GTTTTCAAC-G. GRCh37 (hg19) VCF-style: chr17-16852113-GTTTTCAAC-G.
Other names: short protein forms V126fs.
Identifiers: ClinVar variation 5020054 (VCV005020054.2).

ClinVar aggregate classification (germline): Likely pathogenic (1 of 4 stars; one submission).

Conditions:
Immunodeficiency, common variable, 2 (CVID2). Also called: ANTIBODY DEFICIENCY DUE TO TACI DEFECT; HYPOGAMMAGLOBULINEMIA DUE TO TACI DEFICIENCY. Identifiers: Orphanet 1572, MedGen C3150354, MONDO:0009413, OMIM 240500.
Immunoglobulin A deficiency 2 (IGAD2). Identifiers: MedGen C1836032, MONDO:0012291, OMIM 609529.

Submission:

Juno Genomics, Hangzhou Juno Genomics, Inc
Classification: Likely pathogenic for Immunoglobulin A deficiency 2; Immunodeficiency, common variable, 2. Review status: criteria provided, single submitter. Criteria: ACMG Guidelines, 2015. Collection method: clinical testing. Allele origin: germline.
Comment: Absent from controls (or at extremely low frequency if recessive) in Genome Aggregation Database.;Null variant in a gene where loss of function (LOF) is a known mechanism of disease.